The following is an entry in ClinVar:

NM_015311.3(OBSL1):c.2965C>T (p.Arg989Trp)

Gene: OBSL1 (obscurin like cytoskeletal adaptor 1; minus strand). Cytogenetic location: 2q35.
Variant type: single nucleotide variant.
Coding change: c.2965C>T on transcript NM_015311.3 (MANE Select); coding-DNA position 2965, C replaced by T.
Protein change: p.Arg989Trp; replaces arginine 989 with tryptophan.
Molecular consequence: missense variant.
Genome position (GRCh38, 1-based): chr2:219,559,486, G>A on the plus strand (C>T on the coding strand, the complement: OBSL1 is on the minus strand). VCF-style: chr2-219559486-G-A. GRCh37 (hg19) VCF-style: chr2-220424208-G-A.
Other names: c.2965C>T, p.Arg989Trp (NM_001173431.2); short protein forms R989W.
Identifiers: ClinVar variation 4848121 (VCV004848121.1).
Genomic context (GRCh38, chr2:219,559,486, plus strand): 5'-GCACCACACACTCCAAGGTCACGGCGATCAAGGTCACCTCATCGCGAGGGTATATGATCC[G>A]CACTGGGGGTTCTGCAGGGTGGGGACAACCACAGCCTGTCACAAGCTCACCGTCAGCCTC-3'
Protein context (NP_056126.1, residues 979-999): FTVTVTEPPV[Arg989Trp]IIYPRDEVTL

ClinVar aggregate classification (germline): Uncertain significance (1 of 4 stars; one submission).

gnomAD v4.1: 61 of 1,608,700 alleles (0.0038%); highest among the groups gnomAD compares: Admixed American, 0.057%; no homozygotes.

Submission:

Women's Health and Genetics/Laboratory Corporation of America, LabCorp
Classification: Uncertain significance. Last evaluated: 2026-02-02. Review status: criteria provided, single submitter. Criteria: LabCorp Variant Classification Summary - May 2015. Collection method: clinical testing. Allele origin: germline.
Comment: Variant summary: OBSL1 c.2965C>T (p.Arg989Trp) results in a non-conservative amino acid change in the encoded protein sequence. Algorithms developed to predict the effect of missense changes on protein structure and function are either unavailable or do not agree on the potential impact of this missense change. The variant allele was found at a frequency of 6.9e-05 in 248142 control chromosomes. This frequency is not significantly higher than estimated for disease-causing variants in OBSL1, allowing no conclusion about variant significance. To our knowledge, no occurrence of c.2965C>T in individuals affected with OBSL1-related conditions and no experimental evidence demonstrating its impact on protein function have been reported. No submitters have cited clinical-significance assessments for this variant to ClinVar. Based on the evidence outlined above, the variant was classified as uncertain significance.